The following is an entry in ClinVar:

ClinVar aggregate classification (germline): Pathogenic. Review status: reviewed by expert panel (3 of 4 stars). 2 submissions from 2 submitters: Pathogenic (1). 1 of the submissions does not count toward it. Last evaluated 2017-12-15.

Conditions:
Hereditary breast ovarian cancer syndrome. Also called: Hereditary breast and ovarian cancer syndrome (HBOC); Hereditary breast and ovarian cancer syndrome; Hereditary breast and ovarian cancer; Hereditary breast and/or ovarian cancer syndrome; Breast and ovarian cancer; BRCA1- and BRCA2-Associated Hereditary Breast and Ovarian Cancer. Identifiers: Orphanet 145, MedGen C0677776, MeSH D061325, MONDO:0003582. Disease mechanism: loss of function.
Breast-ovarian cancer, familial, susceptibility to, 1 (BROVCA1). Also called: OVARIAN CANCER, SUSCEPTIBILITY TO; BRCA1 Hereditary Breast and Ovarian Cancer. Identifiers: Orphanet 145, MedGen C2676676, MONDO:0011450, OMIM 604370. Disease mechanism: loss of function.

Submissions (2):

Evidence-based Network for the Interpretation of Germline Mutant Alleles (ENIGMA)
Classification: Pathogenic for Breast-ovarian cancer, familial, susceptibility to, 1. Last evaluated: 2017-12-15. Review status: reviewed by expert panel. Criteria: ENIGMA BRCA1/2 Classification Criteria (2017-06-29). Collection method: curation. Allele origin: germline. Study: ENIGMA.
Comment: Variant allele predicted to encode a truncated non-functional protein.

Research Molecular Genetics Laboratory, Women's College Hospital, University of Toronto
Classification: Pathogenic for Hereditary breast ovarian cancer syndrome. Last evaluated: 2014-01-31. Review status: no assertion criteria provided. Collection method: research. Allele origin: germline. Affected: yes. Study: The Canadian Open Genetics Repository (COGR). Not counted in ClinVar's aggregate classification.

NM_007294.4(BRCA1):c.2356del (p.Leu786fs)

Gene: BRCA1 (BRCA1 DNA repair associated; minus strand). Cytogenetic location: 17q21.31.
Variant type: Deletion.
Coding change: c.2356del on transcript NM_007294.4 (MANE Select); coding-DNA position 2356, one base deleted (C; older notation c.2356delC).
Protein change: p.Leu786fs; shifts the reading frame from leucine 786.
Molecular consequence: frameshift variant. On other transcripts: intron variant (137).
Genome position (GRCh38, 1-based): chr17:43,093,175, G deleted on the plus strand (C on the coding strand, the reverse complement: BRCA1 is on the minus strand). VCF-style (leftmost placement, unchanged base first): chr17-43093174-AG-A. GRCh37 (hg19) VCF-style: chr17-41245191-AG-A.
Other names: c.2353del, p.Leu785fs (NM_001407633.1, NM_001407634.1, NM_001407635.1 and 22 more transcripts); c.2356del, p.Leu786fs (NM_001407639.1, NM_001407640.1, NM_001407641.1 and 30 more transcripts); c.2347del, p.Leu783fs (NM_001407646.1, NM_001407647.1); c.2233del, p.Leu745fs (NM_001407648.1, NM_001407664.1, NM_001407665.1 and 19 more transcripts); c.2230del, p.Leu744fs (NM_001407649.1, NM_001407670.1, NM_001407671.1 and 11 more transcripts); c.2278del, p.Leu760fs (NM_001407653.1, NM_001407654.1, NM_001407655.1 and 4 more transcripts); c.2275del, p.Leu759fs (NM_001407659.1, NM_001407660.1, NM_001407661.1 and 1 more transcripts); c.2215del, p.Leu739fs (NM_001407692.1, NM_001407694.1, NM_001407695.1 and 29 more transcripts); and 41 more; short protein forms L786fs, L739fs, L675fs, L716fs, L738fs, L659fs, L674fs, L719fs.
Identifiers: ClinVar variation 54546 (VCV000054546.3), dbSNP rs397508962, ClinGen allele CA001575.